The following is an entry in ClinVar:

ClinVar aggregate classification (germline): Uncertain significance (1 of 4 stars; one submission).

Submission:

Labcorp Genetics (formerly Invitae), Labcorp
Classification: Uncertain significance. Last evaluated: 2023-09-10. Review status: criteria provided, single submitter. Criteria: Invitae Variant Classification Sherloc (09022015). Collection method: clinical testing. Allele origin: germline.
Comment: In summary, the available evidence is currently insufficient to determine the role of this variant in disease. Therefore, it has been classified as a Variant of Uncertain Significance. Advanced modeling of protein sequence and biophysical properties (such as structural, functional, and spatial information, amino acid conservation, physicochemical variation, residue mobility, and thermodynamic stability) has been performed at Invitae for this missense variant, however the output from this modeling did not meet the statistical confidence thresholds required to predict the impact of this variant on CACNA1E protein function. This variant has not been reported in the literature in individuals affected with CACNA1E-related conditions. This variant is not present in population databases (gnomAD no frequency). This sequence change replaces aspartic acid, which is acidic and polar, with histidine, which is basic and polar, at codon 1078 of the CACNA1E protein (p.Asp1078His).

NM_001205293.3(CACNA1E):c.3232G>C (p.Asp1078His)

Gene: CACNA1E (calcium voltage-gated channel subunit alpha1 E; plus strand). Cytogenetic location: 1q25.3.
Variant type: single nucleotide variant.
Coding change: c.3232G>C on transcript NM_001205293.3 (MANE Select); coding-DNA position 3232, G replaced by C.
Protein change: p.Asp1078His; replaces aspartic acid 1078 with histidine.
Molecular consequence: missense variant.
Genome position (GRCh38, 1-based): chr1:181,733,720, G>C. VCF-style: chr1-181733720-G-C. GRCh37 (hg19) VCF-style: chr1-181702856-G-C.
Other names: c.3232G>C, p.Asp1078His (NM_000721.4); c.3175G>C, p.Asp1059His (NM_001205294.2); short protein forms D1078H, D1059H.
Identifiers: ClinVar variation 3010185 (VCV003010185.3), dbSNP rs868304896, ClinGen allele CA343621342.